The following is an entry in ClinVar:

NM_001165963.4(SCN1A):c.3525dup (p.Glu1176Ter)

Genes: SCN1A (sodium voltage-gated channel alpha subunit 1; minus strand), LOC102724058 (uncharacterized LOC102724058; plus strand). Cytogenetic location: 2q24.3.
Variant type: Duplication.
Coding change: c.3525dup on transcript NM_001165963.4 (MANE Select); coding-DNA position 3525, one base duplicated (T; older notation c.3525dupT).
Protein change: p.Glu1176Ter; replaces glutamic acid 1176 with a stop codon.
Molecular consequence: nonsense. On other transcripts: non-coding transcript variant (2).
Genome position (GRCh38, 1-based): chr2:166,015,632, A duplicated on the plus strand (T on the coding strand, the reverse complement: SCN1A is on the minus strand); the first of 2 consecutive A bases (chr2:166,015,632-166,015,633); duplicating either gives the same sequence. VCF-style (leftmost placement, unchanged base first): chr2-166015631-C-CA. GRCh37 (hg19) VCF-style: chr2-166872141-C-CA.
Other names: c.3441dup, p.Glu1148Ter (NM_001165964.3, NM_001353957.2, NM_001353958.2); c.3525dup, p.Glu1176Ter (NM_001202435.3, NM_001353948.2); c.3492dup, p.Glu1165Ter (NM_001353949.2, NM_001353950.2, NM_001353951.2 and 2 more transcripts); c.3489dup, p.Glu1164Ter (NM_001353954.2, NM_001353955.2); c.3438dup, p.Glu1147Ter (NM_001353960.2); c.1083dup, p.Glu362Ter (NM_001353961.2); short protein forms E1147*, E1148*, E1164*, E1165*, E1176*, E362*.
Identifiers: ClinVar variation 1069932 (VCV001069932.8), dbSNP rs2105628869, ClinGen allele CA2499215179.
Genomic context (GRCh38, chr2:166,015,631, plus strand): 5'-CAAATGAAAGATTAACATTAGGATTCTTTTCTTTACCTTCAGTGAAACAAGCTTCTGGTT[C>CA]AAGAGTTTCTTCAGGTTCCACTACGGGCTGTTCTTCTACAGGTGCGCCGATGTCCACAGT-3'

ClinVar aggregate classification (germline): Pathogenic (1 of 4 stars; one submission).

Conditions:
Early-infantile DEE. Also called: Ohtahara syndrome; Early infantile epileptic encephalopathy with suppression bursts; Early infantile epileptic encephalopathy. Identifiers: Orphanet 1934, MedGen C0393706, MONDO:0800491.

Submission:

Labcorp Genetics (formerly Invitae), Labcorp
Classification: Pathogenic for Early-infantile DEE. Last evaluated: 2020-04-09. Review status: criteria provided, single submitter. Criteria: Invitae Variant Classification Sherloc (09022015). Collection method: clinical testing. Allele origin: germline.
Comment: For these reasons, this variant has been classified as Pathogenic. Loss-of-function variants in SCN1A are known to be pathogenic (PMID: 17347258, 18930999). This variant has not been reported in the literature in individuals with SCN1A-related conditions. This variant is not present in population databases (ExAC no frequency). This sequence change creates a premature translational stop signal (p.Glu1176*) in the SCN1A gene. It is expected to result in an absent or disrupted protein product.

Literature cited by the submitters: PubMed 17347258; PubMed 18930999.